The following is an entry in ClinVar:

NM_002485.5(NBN):c.2191A>T (p.Asn731Tyr)

Gene: NBN (nibrin; minus strand). Cytogenetic location: 8q21.3.
Variant type: single nucleotide variant.
Coding change: c.2191A>T on transcript NM_002485.5 (MANE Select); coding-DNA position 2191, A replaced by T.
Protein change: p.Asn731Tyr; replaces asparagine 731 with tyrosine.
Molecular consequence: missense variant.
Genome position (GRCh38, 1-based): chr8:89,937,069, T>A on the plus strand (A>T on the coding strand, the complement: NBN is on the minus strand). VCF-style: chr8-89937069-T-A. GRCh37 (hg19) VCF-style: chr8-90949297-T-A.
Other names: p.N731Y:AAT>TAT; c.1945A>T, p.Asn649Tyr (NM_001024688.3); short protein forms N731Y, N649Y.
Identifiers: ClinVar variation 127866 (VCV000127866.21), dbSNP rs369649307, ClinGen allele CA287922.
Genomic context (GRCh38, chr8:89,937,069, plus strand): 5'-GGTGAATCAAACTTTACCTAAAAAGATCATCAGCAAGAGACTCTTCTTTTGCATGTTGAT[T>A]TTGTACCTGTCAAAATTAACATAATTTCAAACATTTGCTCAGTGGTGAATATATAGTTAA-3'
Protein context (NP_002476.2, residues 721-741): EWLRQEMEVQ[Asn731Tyr]QHAKEESLAD

ClinVar aggregate classification (germline): Uncertain significance. Review status: criteria provided, multiple submitters, no conflicts (2 of 4 stars). 6 submissions from 6 submitters: Uncertain significance (6). Last evaluated 2025-09-19.

Conditions:
Microcephaly, normal intelligence and immunodeficiency (NBS). Also called: Nijmegen breakage syndrome; Microcephaly with normal intelligence immunodeficiency and lymphoreticular malignancies; Nonsyndromal microcephaly autosomal recessive with normal intelligence; Seemanova syndrome 2; Ataxia telangiectasia variant V1; IMMUNODEFICIENCY, MICROCEPHALY, AND CHROMOSOMAL INSTABILITY. Identifiers: Orphanet 647, MedGen C0398791, MONDO:0009623, OMIM 251260.
Hereditary cancer-predisposing syndrome. Also called: Tumor predisposition; Hereditary neoplastic syndrome; Neoplastic Syndromes, Hereditary; Hereditary Cancer Syndrome. Identifiers: Orphanet 140162, MedGen C0027672, MeSH D009386, MONDO:0015356.

Allele frequency attached by ClinVar (database versions not stated): gnomAD exomes below 0.00001; TOPMed below 0.00001; ExAC 0.00001; ESP Exome Variant Server 0.00008.
gnomAD v4.1: 1 of 1,612,410 alleles (0.000062%); highest among the groups gnomAD compares: Non-Finnish European, 0.000085%; no homozygotes.

Submissions (6):

Ambry Genetics
Classification: Uncertain significance for Hereditary cancer-predisposing syndrome. Last evaluated: 2025-09-19. Review status: criteria provided, single submitter. Criteria: Ambry Variant Classification Scheme 2023. Collection method: clinical testing. Allele origin: germline.
Comment: The p.N731Y variant (also known as c.2191A>T), located in coding exon 15 of the NBN gene, results from an A to T substitution at nucleotide position 2191. The asparagine at codon 731 is replaced by tyrosine, an amino acid with dissimilar properties. This amino acid position is not well conserved in available vertebrate species. In addition, this alteration is predicted to be tolerated by in silico analysis. Since supporting evidence is limited at this time, the clinical significance of this alteration remains unclear.

Blueprint Genetics
Classification: Uncertain significance. Last evaluated: 2023-01-27. Review status: criteria provided, single submitter. Criteria: ACMG Guidelines, 2015. Collection method: clinical testing. Allele origin: germline.

Labcorp Genetics (formerly Invitae), Labcorp
Classification: Uncertain significance for Microcephaly, normal intelligence and immunodeficiency. Last evaluated: 2022-03-11. Review status: criteria provided, single submitter. Criteria: Invitae Variant Classification Sherloc (09022015). Collection method: clinical testing. Allele origin: germline.
Comment: This sequence change replaces asparagine, which is neutral and polar, with tyrosine, which is neutral and polar, at codon 731 of the NBN protein (p.Asn731Tyr). This variant is present in population databases (rs369649307, gnomAD 0.0009%). This variant has not been reported in the literature in individuals affected with NBN-related conditions. ClinVar contains an entry for this variant (Variation ID: 127866). Algorithms developed to predict the effect of missense changes on protein structure and function are either unavailable or do not agree on the potential impact of this missense change (SIFT: "Deleterious"; PolyPhen-2: "Possibly Damaging"; Align-GVGD: "Class C0"). In summary, the available evidence is currently insufficient to determine the role of this variant in disease. Therefore, it has been classified as a Variant of Uncertain Significance.

Sema4
Classification: Uncertain significance for Hereditary cancer-predisposing syndrome. Last evaluated: 2022-01-23. Review status: criteria provided, single submitter. Criteria: Sema4 Curation Guidelines. Collection method: curation. Allele origin: germline.
Comment: To the best of our knowledge, the NBN c.2191A>T (p.N731Y) variant has not been reported in individuals with NBN-related disease. It was not observed in the large and broad cohorts of the Genome Aggregation Database (PMID: 32461654). The variant has been reported in ClinVar (Variation ID 127866). Functional studies have not been performed, and in silico predictions of the variant's effect on protein function are inconclusive. The evidence is insufficient to meet ACMG/AMP criteria for classifying the variant as benign or pathogenic. Thus, the clinical significance of this variant is currently uncertain.

Genome-Nilou Lab
Classification: Uncertain significance for Microcephaly, normal intelligence and immunodeficiency. Last evaluated: 2021-11-07. Review status: criteria provided, single submitter. Criteria: ACMG Guidelines, 2015. Collection method: clinical testing. Allele origin: germline. Affected: no.

GeneDx
Classification: Uncertain significance. Last evaluated: 2013-11-01. Review status: criteria provided, single submitter. Criteria: GeneDx Variant Classification (06012015). Collection method: clinical testing. Allele origin: germline. Affected: yes.
Comment: NBN, which is involved in DNA damage repair, has been only recently described in association with cancer predisposition and the risks are not well understood. This variant is denoted NBN c.2191A>T at the cDNA level, p.Asn731Tyr (N731Y) at the protein level, and results in the change of an Asparagine to a Tyrosine (AAT>TAT). This variant has not, to our knowledge, been published in the literature as pathogenic or benign. NBN Asn731Tyr was not observed at significant allele frequency in the NHLBI Exome Sequencing Project, indicating it is not a common benign polymorphism in the European and African American populations. This variant is a semi-conservative amino acid substitution, altering a position that is only moderately conserved throughout evolution and is not located in a known functional domain. In silico analyses are inconsistent with regard to the effect this variant may have on protein structure and function. Based on currently available information, it is unclear whether NBN Asn731Tyr is a pathogenic variant or a rare benign variant.